The following is an entry in ClinVar:

NM_000268.4(NF2):c.1661G>C (p.Arg554Thr)

Gene: NF2 (NF2, moesin-ezrin-radixin like (MERLIN) tumor suppressor; plus strand). Cytogenetic location: 22q12.2.
Variant type: single nucleotide variant.
Coding change: c.1661G>C on transcript NM_000268.4 (MANE Select); coding-DNA position 1661, G replaced by C.
Protein change: p.Arg554Thr; replaces arginine 554 with threonine.
Molecular consequence: missense variant. On other transcripts: intron variant (3).
Genome position (GRCh38, 1-based): chr22:29,681,525, G>C. VCF-style: chr22-29681525-G-C. GRCh37 (hg19) VCF-style: chr22-30077514-G-C.
Other names: c.1547G>C, p.Arg516Thr (NM_001407053.1, NM_001407056.1); c.1538G>C, p.Arg513Thr (NM_001407054.1, NM_001407058.1, NM_181829.3); c.1535G>C, p.Arg512Thr (NM_001407055.1, NM_181828.3); c.1526G>C, p.Arg509Thr (NM_001407057.1, NM_001407059.1); c.1403G>C, p.Arg468Thr (NM_001407062.1); c.1412G>C, p.Arg471Thr (NM_001407063.1, NM_181830.3, NM_181831.3); c.1127G>C, p.Arg376Thr (NM_001407065.1); c.1661G>C, p.Arg554Thr (NM_001407066.1, NM_016418.5, NM_181825.3 and 1 more transcripts); and 4 more; short protein forms R513T, R516T, R554T, R376T, R468T, R477T, R509T, R471T.
Identifiers: ClinVar variation 2453841 (VCV002453841.3), dbSNP rs2067134618, ClinGen allele CA411150238.

ClinVar aggregate classification (germline): Uncertain significance. Review status: criteria provided, multiple submitters, no conflicts (2 of 4 stars). 2 submissions from 2 submitters: Uncertain significance (2). Last evaluated 2024-08-06.

Conditions:
Neurofibromatosis, type 2 (SWNV). Also called: BILATERAL ACOUSTIC NEUROFIBROMATOSIS; SCHWANNOMATOSIS, VESTIBULAR; NF2-Related Schwannomatosis. Identifiers: Orphanet 637, MedGen C0027832, MONDO:0007039, OMIM 101000. Disease mechanism: loss of function.
Hereditary cancer-predisposing syndrome. Also called: Hereditary neoplastic syndrome; Hereditary Cancer Syndrome; Tumor predisposition; Neoplastic Syndromes, Hereditary. Identifiers: Orphanet 140162, MedGen C0027672, MeSH D009386, MONDO:0015356.

gnomAD v4.1: 1 of 1,614,198 alleles (0.000062%); highest among the groups gnomAD compares: Non-Finnish European, 0.000085%; no homozygotes.

Submissions (2):

All of Us Research Program, National Institutes of Health
Classification: Uncertain significance for Neurofibromatosis, type 2. Last evaluated: 2024-08-06. Review status: criteria provided, single submitter. Criteria: ACMG Guidelines, 2015. Collection method: clinical testing. Allele origin: germline. Inheritance: Autosomal dominant inheritance. Observed: 1 variant allele, 1 heterozygote.
Comment: This study involves interpretation of variants in research participants for the purpose of population health screening. Participant phenotype was not available at the time of variant classification. Additional details can be found in publication PMID: 35346344, PMCID: PMC8962531

Ambry Genetics
Classification: Uncertain significance for Hereditary cancer-predisposing syndrome. Last evaluated: 2023-02-16. Review status: criteria provided, single submitter. Criteria: Ambry Variant Classification Scheme 2023. Collection method: clinical testing. Allele origin: germline.
Comment: The p.R554T variant (also known as c.1661G>C), located in coding exon 15 of the NF2 gene, results from a G to C substitution at nucleotide position 1661. The arginine at codon 554 is replaced by threonine, an amino acid with similar properties. This amino acid position is conserved. In addition, this alteration is predicted to be deleterious by in silico analysis. Since supporting evidence is limited at this time, the clinical significance of this alteration remains unclear.